The following is an entry in ClinVar:

ClinVar aggregate classification (germline): Conflicting classifications of pathogenicity. Review status: criteria provided, conflicting classifications (1 of 4 stars). 7 submissions from 7 submitters: Uncertain significance (5); Likely benign (1). 1 of the submissions does not count toward it. Last evaluated 2024-10-28.

Conditions:
FANCD2-related disorder. Also called: FANCD2-related condition.
Fanconi anemia (FA). Also called: Fanconi's anemia. Identifiers: Orphanet 84, MedGen C0015625, MeSH D005199, MONDO:0019391.
Fanconi anemia complementation group D2. Also called: FANCD2-Related Fanconi Anemia; FANCONI PANCYTOPENIA, TYPE 4; FANCONI ANEMIA, COMPLEMENTATION GROUP D. Identifiers: Orphanet 84, MedGen C3160738, MONDO:0009214, OMIM 227646.

Allele frequency attached by ClinVar (database versions not stated): 1000 Genomes Project 30x 0.00172; ExAC 0.00206.
gnomAD v4.1: 230 of 1,586,850 alleles (0.014%); highest among the groups gnomAD compares: African/African-American, 0.2%; no homozygotes.

Submissions (7):

Labcorp Genetics (formerly Invitae), Labcorp
Classification: Uncertain significance for Fanconi anemia. Last evaluated: 2024-10-28. Review status: criteria provided, single submitter. Criteria: Invitae Variant Classification Sherloc (09022015). Collection method: clinical testing. Allele origin: germline.
Comment: This sequence change replaces lysine, which is basic and polar, with asparagine, which is neutral and polar, at codon 871 of the FANCD2 protein (p.Lys871Asn). The frequency data for this variant in the population databases is considered unreliable, as metrics indicate poor data quality at this position in the gnomAD database. This variant has not been reported in the literature in individuals affected with FANCD2-related conditions. ClinVar contains an entry for this variant (Variation ID: 342370). Invitae Evidence Modeling of protein sequence and biophysical properties (such as structural, functional, and spatial information, amino acid conservation, physicochemical variation, residue mobility, and thermodynamic stability) indicates that this missense variant is not expected to disrupt FANCD2 protein function with a negative predictive value of 80%. In summary, the available evidence is currently insufficient to determine the role of this variant in disease. Therefore, it has been classified as a Variant of Uncertain Significance.

GeneDx
Classification: Uncertain significance. Last evaluated: 2023-11-28. Review status: criteria provided, single submitter. Criteria: GeneDx Variant Classification Process June 2021. Collection method: clinical testing. Allele origin: germline.
Comment: In silico analysis supports that this missense variant has a deleterious effect on protein structure/function; Has not been previously reported as a pathogenic or benign germline variant to our knowledge; This variant is associated with the following publications: (PMID: 29515789)

Sema4
Classification: Uncertain significance for Fanconi anemia. Last evaluated: 2021-12-07. Review status: criteria provided, single submitter. Criteria: Sema4 Curation Guidelines. Collection method: curation. Allele origin: germline.
Comment: To the best of our knowledge, the FANCD2 c.2613A>C (p.K871N) variant has not been reported in individuals with FANCD2-related disease. It was observed in 56/24582 chromosomes of the African/African American subpopulation, with no homozygotes, in the large and broad cohorts of the Genome Aggregation Database (PMID: 32461654). The variant has been reported in ClinVar (Variation ID: 342370). Functional studies have not been performed, and in silico predictions of the variant's effect on protein function are inconclusive. The evidence is insufficient to meet ACMG/AMP criteria for classifying the variant as benign or pathogenic. Thus, the clinical significance of this variant is currently uncertain.

Baylor Genetics
Classification: Uncertain significance for Fanconi anemia complementation group D2. Last evaluated: 2021-11-24. Review status: criteria provided, single submitter. Criteria: ACMG Guidelines, 2015. Collection method: clinical testing. Allele origin: unknown. Affected: yes. Study: CSER-TexasKidsCanSeq.
Comment: This variant was determined to be of uncertain significance according to ACMG Guidelines, 2015 [PMID:25741868].

Illumina Laboratory Services, Illumina
Classification: Likely benign for Fanconi anemia complementation group D2. Last evaluated: 2018-01-13. Review status: criteria provided, single submitter. Criteria: ICSL Variant Classification Criteria 13 December 2019. Collection method: clinical testing. Allele origin: germline.
Comment: This variant was observed in the ICSL laboratory as part of a predisposition screen in an ostensibly healthy population. It had not been previously curated by ICSL or reported in the Human Gene Mutation Database (HGMD: prior to June 1st, 2018), and was therefore a candidate for classification through an automated scoring system. Utilizing variant allele frequency, disease prevalence and penetrance estimates, and inheritance mode, an automated score was calculated to assess if this variant is too frequent to cause the disease. Based on the score and internal cut-off values, a variant classified as likely benign is not then subjected to further curation. The score for this variant resulted in a classification of likely benign for this disease.

Genetic Services Laboratory, University of Chicago
Classification: Uncertain significance. Last evaluated: 2016-03-14. Review status: criteria provided, single submitter. Criteria: ACMG Guidelines, 2015. Collection method: clinical testing. Allele origin: germline. Affected: no.

PreventionGenetics, part of Exact Sciences
Classification: Likely benign for FANCD2-related condition. Last evaluated: 2022-05-31. Review status: no assertion criteria provided. Collection method: clinical testing. Allele origin: germline. Not counted in ClinVar's aggregate classification.
Comment: This variant is classified as likely benign based on ACMG/AMP sequence variant interpretation guidelines (Richards et al. 2015 PMID: 25741868, with internal and published modifications).

NM_001018115.3(FANCD2):c.2613A>C (p.Lys871Asn)

Genes: FANCD2 (FA complementation group D2; plus strand), LOC107303338 (3p25 FANCD2 Alu-mediated recombination region; plus strand). Cytogenetic location: 3p25.3.
Variant type: single nucleotide variant.
Coding change: c.2613A>C on transcript NM_001018115.3 (MANE Select); coding-DNA position 2613, A replaced by C.
Protein change: p.Lys871Asn; replaces lysine 871 with asparagine.
Molecular consequence: missense variant.
Genome position (GRCh38, 1-based): chr3:10,073,260, A>C. VCF-style: chr3-10073260-A-C. GRCh37 (hg19) VCF-style: chr3-10114944-A-C.
Other names: c.2613A>C (NM_001018115.2); c.2613A>C, p.Lys871Asn (NM_001319984.2, NM_001374254.1, NM_033084.6); c.2502A>C, p.Lys834Asn (NM_001374253.1); short protein forms K871N, K834N.
Identifiers: ClinVar variation 342370 (VCV000342370.20), dbSNP rs56041034, ClinGen allele CA2250142.